The following is an entry in ClinVar:

ClinVar aggregate classification (germline): Conflicting classifications of pathogenicity. Review status: criteria provided, conflicting classifications (1 of 4 stars). 2 submissions from 2 submitters: Uncertain significance (1); Likely benign (1). Last evaluated 2023-03-23.

Conditions:
Hereditary breast ovarian cancer syndrome. Also called: Hereditary breast and ovarian cancer syndrome; Hereditary breast and ovarian cancer syndrome (HBOC); Breast and ovarian cancer; Hereditary breast and/or ovarian cancer syndrome; Hereditary breast and ovarian cancer; BRCA1- and BRCA2-Associated Hereditary Breast and Ovarian Cancer. Identifiers: Orphanet 145, MedGen C0677776, MeSH D061325, MONDO:0003582. Disease mechanism: loss of function.
Hereditary cancer-predisposing syndrome. Also called: Neoplastic Syndromes, Hereditary; Tumor predisposition; Hereditary Cancer Syndrome; Hereditary neoplastic syndrome. Identifiers: Orphanet 140162, MedGen C0027672, MeSH D009386, MONDO:0015356.

Submissions (2):

University of Washington Department of Laboratory Medicine, University of Washington
Classification: Likely benign for Hereditary cancer-predisposing syndrome. Last evaluated: 2023-03-23. Review status: criteria provided, single submitter. Criteria: Dines et al. (Genet Med. 2020). Collection method: curation. Allele origin: germline.
Comment: Missense variant in a coldspot region where missense variants are very unlikely to be pathogenic (PMID:31911673).

BRCA2 exon 11 coldspot. Reclassification based on statistical prior probability.

Labcorp Genetics (formerly Invitae), Labcorp
Classification: Uncertain significance for Hereditary breast ovarian cancer syndrome. Last evaluated: 2022-08-07. Review status: criteria provided, single submitter. Criteria: Invitae Variant Classification Sherloc (09022015). Collection method: clinical testing. Allele origin: germline.
Comment: This sequence change replaces aspartic acid, which is acidic and polar, with glutamic acid, which is acidic and polar, at codon 1476 of the BRCA2 protein (p.Asp1476Glu). In summary, the available evidence is currently insufficient to determine the role of this variant in disease. Therefore, it has been classified as a Variant of Uncertain Significance. Advanced modeling of protein sequence and biophysical properties (such as structural, functional, and spatial information, amino acid conservation, physicochemical variation, residue mobility, and thermodynamic stability) performed at Invitae indicates that this missense variant is not expected to disrupt BRCA2 protein function. This variant has not been reported in the literature in individuals affected with BRCA2-related conditions. This variant is not present in population databases (gnomAD no frequency).

NM_000059.4(BRCA2):c.4428C>A (p.Asp1476Glu)

Gene: BRCA2 (BRCA2 DNA repair associated; plus strand). Cytogenetic location: 13q13.1.
Variant type: single nucleotide variant.
Coding change: c.4428C>A on transcript NM_000059.4 (MANE Select); coding-DNA position 4428, C replaced by A.
Protein change: p.Asp1476Glu; replaces aspartic acid 1476 with glutamic acid.
Molecular consequence: missense variant.
Genome position (GRCh38, 1-based): chr13:32,338,783, C>A. VCF-style: chr13-32338783-C-A. GRCh37 (hg19) VCF-style: chr13-32912920-C-A.
Other names: c.4428C>A, p.Asp1476Glu (NM_001406719.1, NM_001406720.1); short protein forms D1476E.
Identifiers: ClinVar variation 1715462 (VCV001715462.7), dbSNP rs2137506249, ClinGen allele CA387781278.